The following is an entry in ClinVar:

ClinVar aggregate classification (germline): Likely benign. Review status: criteria provided, multiple submitters, no conflicts (2 of 4 stars). 2 submissions from 2 submitters: Likely benign (2). Last evaluated 2023-10-01.

Conditions:
Charcot-Marie-Tooth disease dominant intermediate E. Also called: CHARCOT-MARIE-TOOTH NEUROPATHY WITH FOCAL SEGMENTAL GLOMERULONEPHRITIS. Identifiers: Orphanet 93114, MedGen C4302667, MONDO:0013758, OMIM 614455.
Focal segmental glomerulosclerosis 5 (FSGS5). Identifiers: Orphanet 656, MedGen C2750475, MONDO:0013191, OMIM 613237.

Allele frequency attached by ClinVar (database versions not stated): ExAC 0.00001; gnomAD exomes 0.00001.
gnomAD v4.1: 12 of 1,598,250 alleles (0.00075%); highest among the groups gnomAD compares: African/African-American, 0.0013%; no homozygotes.

Submissions (2):

CeGaT Center for Human Genetics Tuebingen
Classification: Likely benign. Last evaluated: 2023-10-01. Review status: criteria provided, single submitter. Criteria: CeGaT Center For Human Genetics Tuebingen Variant Classification Criteria Version 2. Collection method: clinical testing. Allele origin: germline. Affected: yes. Observed: 1 variant allele.
Comment: INF2: PM2:Supporting, BP4, BP7

Labcorp Genetics (formerly Invitae), Labcorp
Classification: Likely benign for Charcot-Marie-Tooth disease dominant intermediate E; Focal segmental glomerulosclerosis 5. Last evaluated: 2023-05-15. Review status: criteria provided, single submitter. Criteria: Invitae Variant Classification Sherloc (09022015). Collection method: clinical testing. Allele origin: germline.

NM_022489.4(INF2):c.1716G>C (p.Leu572=)

Gene: INF2 (inverted formin 2; plus strand). Cytogenetic location: 14q32.33.
Variant type: single nucleotide variant.
Coding change: c.1716G>C on transcript NM_022489.4 (MANE Select); coding-DNA position 1716, G replaced by C.
Protein change: p.Leu572=; no amino-acid change (leucine 572 retained).
Molecular consequence: synonymous variant.
Genome position (GRCh38, 1-based): chr14:104,707,983, G>C. VCF-style: chr14-104707983-G-C. GRCh37 (hg19) VCF-style: chr14-105174320-G-C.
Other names: c.1716G>C, p.Leu572= (NM_001031714.4).
Identifiers: ClinVar variation 706891 (VCV000706891.31), dbSNP rs780141010, ClinGen allele CA7372625.